The following is an entry in ClinVar:

NM_005883.3(APC2):c.6095C>T (p.Ala2032Val)

Gene: APC2 (APC regulator of Wnt signaling pathway 2; plus strand). Cytogenetic location: 19p13.3.
Variant type: single nucleotide variant.
Coding change: c.6095C>T on transcript NM_005883.3 (MANE Select); coding-DNA position 6095, C replaced by T.
Protein change: p.Ala2032Val; replaces alanine 2032 with valine.
Molecular consequence: missense variant.
Genome position (GRCh38, 1-based): chr19:1,469,396, C>T. VCF-style: chr19-1469396-C-T. GRCh37 (hg19) VCF-style: chr19-1469395-C-T.
Other names: c.6095C>T (NM_005883.2); c.6092C>T, p.Ala2031Val (NM_001351273.1); short protein forms A2032V, A2031V.
Identifiers: ClinVar variation 1439283 (VCV001439283.15), dbSNP rs1445938780, ClinGen allele CA403042531.

ClinVar aggregate classification (germline): Uncertain significance. Review status: criteria provided, multiple submitters, no conflicts (2 of 4 stars). 3 submissions from 3 submitters: Uncertain significance (3). Last evaluated 2025-11-10.

Conditions:
Inborn genetic diseases. Identifiers: MedGen C0950123, MeSH D030342.

Allele frequency attached by ClinVar (database versions not stated): TOPMed 0.00005; gnomAD 0.00006 and 0.00007; gnomAD exomes 0.00008 and 0.00014.
gnomAD v4.1: 93 of 1,212,578 alleles (0.0077%); highest among the groups gnomAD compares: Non-Finnish European, 0.009%; no homozygotes.

Submissions (3):

Labcorp Genetics (formerly Invitae), Labcorp
Classification: Uncertain significance. Last evaluated: 2025-11-10. Review status: criteria provided, single submitter. Criteria: Invitae Variant Classification Sherloc (09022015). Collection method: clinical testing. Allele origin: germline.
Comment: This sequence change replaces alanine, which is neutral and non-polar, with valine, which is neutral and non-polar, at codon 2032 of the APC2 protein (p.Ala2032Val). The frequency data for this variant in the population databases is considered unreliable, as metrics indicate poor data quality at this position in the gnomAD database. This variant has not been reported in the literature in individuals affected with APC2-related conditions. ClinVar contains an entry for this variant (Variation ID: 1439283). Invitae Evidence Modeling of protein sequence and biophysical properties (such as structural, functional, and spatial information, amino acid conservation, physicochemical variation, residue mobility, and thermodynamic stability) has been performed for this missense variant. However, the output from this modeling did not meet the statistical confidence thresholds required to predict the impact of this variant on APC2 protein function. In summary, the available evidence is currently insufficient to determine the role of this variant in disease. Therefore, it has been classified as a Variant of Uncertain Significance.

CeGaT Center for Human Genetics Tuebingen
Classification: Uncertain significance. Last evaluated: 2025-06-01. Review status: criteria provided, single submitter. Criteria: CeGaT Center For Human Genetics Tuebingen Variant Classification Criteria Version 2. Collection method: clinical testing. Allele origin: germline. Affected: yes. Observed: 1 variant allele.
Comment: APC2: PM2

Ambry Genetics
Classification: Uncertain significance for Inborn genetic diseases. Last evaluated: 2025-03-27. Review status: criteria provided, single submitter. Criteria: Ambry Variant Classification Scheme 2023. Collection method: clinical testing. Allele origin: germline.